The following is an entry in ClinVar:

NM_002095.6(GTF2E2):c.805C>T (p.Arg269Cys)

Gene: GTF2E2 (general transcription factor IIE subunit 2; minus strand). Cytogenetic location: 8p12.
Variant type: single nucleotide variant.
Coding change: c.805C>T on transcript NM_002095.6 (MANE Select); coding-DNA position 805, C replaced by T.
Protein change: p.Arg269Cys; replaces arginine 269 with cysteine.
Molecular consequence: missense variant.
Genome position (GRCh38, 1-based): chr8:30,578,992, G>A on the plus strand (C>T on the coding strand, the complement: GTF2E2 is on the minus strand). VCF-style: chr8-30578992-G-A. GRCh37 (hg19) VCF-style: chr8-30436509-G-A.
Other names: c.805C>T (NM_002095.4); short protein forms R269C.
Identifiers: ClinVar variation 2053993 (VCV002053993.3), dbSNP rs1416848056, ClinGen allele CA370874789.

ClinVar aggregate classification (germline): Uncertain significance. Review status: criteria provided, multiple submitters, no conflicts (2 of 4 stars). 2 submissions from 2 submitters: Uncertain significance (2). Last evaluated 2025-06-03.

Conditions:
Inborn genetic diseases. Identifiers: MedGen C0950123, MeSH D030342.

Allele frequency attached by ClinVar (database versions not stated): TOPMed 0.00003; gnomAD 0.00005; gnomAD exomes 0.00002.
gnomAD v4.1: 29 of 1,610,750 alleles (0.0018%); highest among the groups gnomAD compares: Non-Finnish European, 0.0022%; no homozygotes.

Submissions (2):

Ambry Genetics
Classification: Uncertain significance for Inborn genetic diseases. Last evaluated: 2025-06-03. Review status: criteria provided, single submitter. Criteria: Ambry Variant Classification Scheme 2023. Collection method: clinical testing. Allele origin: germline.

Labcorp Genetics (formerly Invitae), Labcorp
Classification: Uncertain significance. Last evaluated: 2022-08-20. Review status: criteria provided, single submitter. Criteria: Invitae Variant Classification Sherloc (09022015). Collection method: clinical testing. Allele origin: germline.
Comment: In summary, the available evidence is currently insufficient to determine the role of this variant in disease. Therefore, it has been classified as a Variant of Uncertain Significance. Algorithms developed to predict the effect of missense changes on protein structure and function (SIFT, PolyPhen-2, Align-GVGD) all suggest that this variant is likely to be disruptive. This variant has not been reported in the literature in individuals affected with GTF2E2-related conditions. This variant is present in population databases (no rsID available, gnomAD 0.007%). This sequence change replaces arginine, which is basic and polar, with cysteine, which is neutral and slightly polar, at codon 269 of the GTF2E2 protein (p.Arg269Cys).